The following is an entry in ClinVar:

ClinVar aggregate classification (germline): Uncertain significance. Review status: criteria provided, multiple submitters, no conflicts (2 of 4 stars). 2 submissions from 2 submitters: Uncertain significance (2). Last evaluated 2026-02-13.

Conditions:
Hereditary cancer-predisposing syndrome. Also called: Neoplastic Syndromes, Hereditary; Tumor predisposition; Hereditary Cancer Syndrome; Hereditary neoplastic syndrome. Identifiers: Orphanet 140162, MedGen C0027672, MeSH D009386, MONDO:0015356.
Familial cancer of breast. Also called: BREAST CANCER, FAMILIAL; Hereditary breast cancer; hereditary breast carcinoma. Identifiers: Orphanet 227535, MedGen C0346153, MONDO:0016419, OMIM 114480. Disease mechanism: loss of function.

Submissions (2):

Ambry Genetics
Classification: Uncertain significance for Hereditary cancer-predisposing syndrome. Last evaluated: 2026-02-13. Review status: criteria provided, single submitter. Criteria: Ambry Variant Classification Scheme 2023. Collection method: clinical testing. Allele origin: germline.
Comment: The p.K203T variant (also known as c.608A>C), located in coding exon 4 of the PALB2 gene, results from an A to C substitution at nucleotide position 608. The lysine at codon 203 is replaced by threonine, an amino acid with similar properties. This amino acid position is conserved. In addition, this alteration is predicted to be tolerated by in silico analysis. Based on the available evidence, the clinical significance of this variant remains unclear.

Labcorp Genetics (formerly Invitae), Labcorp
Classification: Uncertain significance for Familial cancer of breast. Last evaluated: 2022-05-16. Review status: criteria provided, single submitter. Criteria: Invitae Variant Classification Sherloc (09022015). Collection method: clinical testing. Allele origin: germline.
Comment: This variant has not been reported in the literature in individuals affected with PALB2-related conditions. This variant is not present in population databases (gnomAD no frequency). This sequence change replaces lysine, which is basic and polar, with threonine, which is neutral and polar, at codon 203 of the PALB2 protein (p.Lys203Thr). Algorithms developed to predict the effect of missense changes on protein structure and function output the following: SIFT: "Tolerated"; PolyPhen-2: "Benign"; Align-GVGD: "Class C0". The threonine amino acid residue is found in multiple mammalian species, which suggests that this missense change does not adversely affect protein function. In summary, the available evidence is currently insufficient to determine the role of this variant in disease. Therefore, it has been classified as a Variant of Uncertain Significance.

NM_024675.4(PALB2):c.608A>C (p.Lys203Thr)

Gene: PALB2 (partner and localizer of BRCA2; minus strand). Cytogenetic location: 16p12.2.
Variant type: single nucleotide variant.
Coding change: c.608A>C on transcript NM_024675.4 (MANE Select); coding-DNA position 608, A replaced by C.
Protein change: p.Lys203Thr; replaces lysine 203 with threonine.
Molecular consequence: missense variant.
Genome position (GRCh38, 1-based): chr16:23,635,938, T>G on the plus strand (A>C on the coding strand, the complement: PALB2 is on the minus strand). VCF-style: chr16-23635938-T-G. GRCh37 (hg19) VCF-style: chr16-23647259-T-G.
Other names: c.548A>C, p.Lys183Thr (NM_001407296.1); c.608A>C, p.Lys203Thr (NM_001407297.1, NM_001407298.1, NM_001407299.1 and 3 more transcripts); c.-278A>C (NM_001407304.1, NM_001407305.1, NM_001407306.1 and 5 more transcripts); short protein forms K183T, K203T.
Identifiers: ClinVar variation 1995051 (VCV001995051.5), dbSNP rs2142439295, ClinGen allele CA395136660.